The following is an entry in ClinVar:

NM_032383.5(HPS3):c.2018C>T (p.Ser673Leu)

Gene: HPS3 (HPS3 biogenesis of lysosomal organelles complex 2 subunit 1; plus strand). Cytogenetic location: 3q24.
Variant type: single nucleotide variant.
Coding change: c.2018C>T on transcript NM_032383.5 (MANE Select); coding-DNA position 2018, C replaced by T.
Protein change: p.Ser673Leu; replaces serine 673 with leucine.
Molecular consequence: missense variant.
Genome position (GRCh38, 1-based): chr3:149,160,191, C>T. VCF-style: chr3-149160191-C-T. GRCh37 (hg19) VCF-style: chr3-148877978-C-T.
Other names: c.1523C>T, p.Ser508Leu (NM_001308258.2); c.2018C>T (NM_032383.3); short protein forms S508L, S673L.
Identifiers: ClinVar variation 1061368 (VCV001061368.8), dbSNP rs141023798, ClinGen allele CA2660218.

ClinVar aggregate classification (germline): Uncertain significance. Review status: criteria provided, multiple submitters, no conflicts (2 of 4 stars). 4 submissions from 4 submitters: Uncertain significance (3). 1 of the submissions does not count toward it. Last evaluated 2025-01-03.

Conditions:
Hermansky-Pudlak syndrome (HPS). Also called: ALBINISM WITH HEMORRHAGIC DIATHESIS AND PIGMENTED RETICULOENDOTHELIAL CELLS. Identifiers: Orphanet 79430, MedGen C0079504, MONDO:0019312.
Inborn genetic diseases. Identifiers: MedGen C0950123, MeSH D030342.

Allele frequency attached by ClinVar (database versions not stated): ExAC 0.00007; gnomAD 0.00007; TOPMed 0.00010; ESP Exome Variant Server 0.00023.
gnomAD v4.1: 262 of 1,613,676 alleles (0.016%); highest among the groups gnomAD compares: Middle Eastern, 0.099%; no homozygotes.

Submissions (4):

Women's Health and Genetics/Laboratory Corporation of America, LabCorp
Classification: Uncertain significance. Last evaluated: 2025-01-03. Review status: criteria provided, single submitter. Criteria: LabCorp Variant Classification Summary - May 2015. Collection method: clinical testing. Allele origin: germline.
Comment: Variant summary: HPS3 c.2018C>T (p.Ser673Leu) results in a non-conservative amino acid change located in the C-terminal domain (IPR029438) of the encoded protein sequence. Four of five in-silico tools predict a damaging effect of the variant on protein function. The variant allele was found at a frequency of 0.00016 in 1606686 control chromosomes. This frequency is not significantly higher than estimated for a pathogenic variant in HPS3 causing Hermansky-Pudlak Syndrome (0.00016 vs 0.00055), allowing no conclusion about variant significance. To our knowledge, no occurrence of c.2018C>T in individuals affected with Hermansky-Pudlak Syndrome and no experimental evidence demonstrating its impact on protein function have been reported. ClinVar contains an entry for this variant (Variation ID: 1061368). Based on the evidence outlined above, the variant was classified as uncertain significance.

Labcorp Genetics (formerly Invitae), Labcorp
Classification: Uncertain significance. Last evaluated: 2022-09-26. Review status: criteria provided, single submitter. Criteria: Invitae Variant Classification Sherloc (09022015). Collection method: clinical testing. Allele origin: germline.
Comment: This sequence change replaces serine, which is neutral and polar, with leucine, which is neutral and non-polar, at codon 673 of the HPS3 protein (p.Ser673Leu). This variant is present in population databases (rs141023798, gnomAD 0.02%). This variant has not been reported in the literature in individuals affected with HPS3-related conditions. ClinVar contains an entry for this variant (Variation ID: 1061368). Advanced modeling of protein sequence and biophysical properties (such as structural, functional, and spatial information, amino acid conservation, physicochemical variation, residue mobility, and thermodynamic stability) performed at Invitae indicates that this missense variant is expected to disrupt HPS3 protein function. Algorithms developed to predict the effect of sequence changes on RNA splicing suggest that this variant may disrupt the consensus splice site. In summary, the available evidence is currently insufficient to determine the role of this variant in disease. Therefore, it has been classified as a Variant of Uncertain Significance.

Ambry Genetics
Classification: Uncertain significance for Inborn genetic diseases. Last evaluated: 2021-07-06. Review status: criteria provided, single submitter. Criteria: Ambry Variant Classification Scheme 2023. Collection method: clinical testing. Allele origin: germline.

Natera, Inc.
Classification: Uncertain significance for Hermansky-Pudlak syndrome. Last evaluated: 2020-02-02. Review status: no assertion criteria provided. Collection method: clinical testing. Allele origin: germline. Not counted in ClinVar's aggregate classification.